The following is an entry in ClinVar:

NM_001199107.2(TBC1D24):c.37G>A (p.Asp13Asn)

Gene: TBC1D24 (TBC1 domain family member 24; plus strand). Cytogenetic location: 16p13.3.
Variant type: single nucleotide variant.
Coding change: c.37G>A on transcript NM_001199107.2 (MANE Select); coding-DNA position 37, G replaced by A.
Protein change: p.Asp13Asn; replaces aspartic acid 13 with asparagine.
Molecular consequence: missense variant.
Genome position (GRCh38, 1-based): chr16:2,496,185, G>A. VCF-style: chr16-2496185-G-A. GRCh37 (hg19) VCF-style: chr16-2546186-G-A.
Other names: c.37G>A, p.Asp13Asn (NM_020705.3); short protein forms D13N.
Identifiers: ClinVar variation 2571810 (VCV002571810.2), dbSNP rs931801085, ClinGen allele CA276809607.

ClinVar aggregate classification (germline): Uncertain significance. Review status: criteria provided, multiple submitters, no conflicts (2 of 4 stars). 2 submissions from 2 submitters: Uncertain significance (2). Last evaluated 2025-05-23.

Conditions:
Autosomal dominant nonsyndromic hearing loss 65. Also called: Deafness, autosomal dominant 65; TBC1D24-Related Autosomal Dominant Nonsyndromic Hearing Loss (DFNA). Identifiers: Orphanet 90635, MedGen C3892048, MONDO:0014470, OMIM 616044.
Developmental and epileptic encephalopathy, 1 (DEE1). Also called: INFANTILE SPASM SYNDROME, X-LINKED 1; X-linked infantile spasms; West's syndrome; Tonic spasms with clustering, arrest of psychomotor development and hypsarrhythmia on EEG; X-Linked Infantile Spasm Syndrome; OHTAHARA SYNDROME, X-LINKED. Identifiers: MedGen C3463992, MONDO:0010632, OMIM 308350. Disease mechanism: loss of function.

Submissions (2):

Labcorp Genetics (formerly Invitae), Labcorp
Classification: Uncertain significance for Developmental and epileptic encephalopathy, 1; Autosomal dominant nonsyndromic hearing loss 65. Last evaluated: 2025-05-23. Review status: criteria provided, single submitter. Criteria: Invitae Variant Classification Sherloc (09022015). Collection method: clinical testing. Allele origin: germline.
Comment: This sequence change replaces aspartic acid, which is acidic and polar, with asparagine, which is neutral and polar, at codon 13 of the TBC1D24 protein (p.Asp13Asn). This variant is not present in population databases (gnomAD no frequency). This variant has not been reported in the literature in individuals affected with TBC1D24-related conditions. ClinVar contains an entry for this variant (Variation ID: 2571810). Invitae Evidence Modeling of protein sequence and biophysical properties (such as structural, functional, and spatial information, amino acid conservation, physicochemical variation, residue mobility, and thermodynamic stability) indicates that this missense variant is not expected to disrupt TBC1D24 protein function with a negative predictive value of 80%. In summary, the available evidence is currently insufficient to determine the role of this variant in disease. Therefore, it has been classified as a Variant of Uncertain Significance.

GeneDx
Classification: Uncertain significance. Last evaluated: 2023-01-04. Review status: criteria provided, single submitter. Criteria: GeneDx Variant Classification Process June 2021. Collection method: clinical testing. Allele origin: germline. Affected: yes.
Comment: Not observed at significant frequency in large population cohorts (gnomAD); In silico analysis supports that this missense variant has a deleterious effect on protein structure/function; Has not been previously published as pathogenic or benign to our knowledge